The following is an entry in ClinVar:

NM_007294.4(BRCA1):c.1178T>C (p.Leu393Ser)

Gene: BRCA1 (BRCA1 DNA repair associated; minus strand). Cytogenetic location: 17q21.31.
Variant type: single nucleotide variant.
Coding change: c.1178T>C on transcript NM_007294.4 (MANE Select); coding-DNA position 1178, T replaced by C.
Protein change: p.Leu393Ser; replaces leucine 393 with serine.
Molecular consequence: missense variant. On other transcripts: intron variant (137).
Genome position (GRCh38, 1-based): chr17:43,094,353, A>G on the plus strand (T>C on the coding strand, the complement: BRCA1 is on the minus strand). VCF-style: chr17-43094353-A-G. GRCh37 (hg19) VCF-style: chr17-41246370-A-G.
Other names: c.670+1493T>C (NM_001408419.1, NM_001408422.1, NM_001408423.1 and 2 more transcripts); c.787+391T>C (NM_001408403.1, NM_001407983.1, NM_001407975.1 and 19 more transcripts); c.790+388T>C (NM_001408406.1); c.646+391T>C (NM_001408456.1, NM_001408458.1, NM_001408469.1 and 11 more transcripts); c.643+391T>C (NM_001408465.1, NM_001408463.1, NM_001408470.1 and 3 more transcripts); c.577+391T>C (NM_001408482.1, NM_001408484.1, NM_001408478.1 and 9 more transcripts); c.520+391T>C (NM_001408504.1, NM_001408503.1, NM_001408505.1); c.523+391T>C (NM_001408499.1, NM_001408498.1, NM_001408501.1 and 3 more transcripts); and 40 more; short protein forms L225S, L265S, L266S, L281S, L282S, L304S, L305S, L322S.
Identifiers: ClinVar variation 4856523 (VCV004856523.1).

ClinVar aggregate classification (germline): Likely benign (1 of 4 stars; one submission).

Conditions:
Breast-ovarian cancer, familial, susceptibility to, 1 (BROVCA1). Also called: OVARIAN CANCER, SUSCEPTIBILITY TO; BRCA1 Hereditary Breast and Ovarian Cancer. Identifiers: Orphanet 145, MedGen C2676676, MONDO:0011450, OMIM 604370. Disease mechanism: loss of function.

gnomAD v4.1: 1 of 1,614,164 alleles (0.000062%); highest among the groups gnomAD compares: South Asian, 0.0011%; no homozygotes.

Submission:

Cancer Bioinformatics and Tumour Evolution Laboratory, Monash University
Classification: Likely benign for Breast-ovarian cancer, familial, susceptibility to, 1. Last evaluated: 2026-05-01. Review status: criteria provided, single submitter. Criteria: ClinGen BRCA1 and BRCA2 Guidelines, 2024. Collection method: curation. Allele origin: germline. Inheritance: Autosomal dominant inheritance.
Comment: Missense variant outside of a functional domain with no splice impact. BRCA1 and BRCA2 VCEP guidelines recommend application of BP1_Strong (PMID: 39142283)